The following is an entry in ClinVar:

ClinVar aggregate classification (germline): Uncertain significance (1 of 4 stars; one submission).

Conditions:
Hereditary cancer-predisposing syndrome. Also called: Neoplastic Syndromes, Hereditary; Tumor predisposition; Hereditary Cancer Syndrome; Hereditary neoplastic syndrome. Identifiers: Orphanet 140162, MedGen C0027672, MeSH D009386, MONDO:0015356.

Submission:

Ambry Genetics
Classification: Uncertain significance for Hereditary cancer-predisposing syndrome. Last evaluated: 2026-07-31. Review status: criteria provided, single submitter. Criteria: Ambry Variant Classification Scheme 2023. Collection method: clinical testing. Allele origin: germline.
Comment: The c.869delT variant, located in coding exon 7 of the CDK4 gene, results from a deletion of one nucleotide at nucleotide position 869, causing a translational frameshift with a predicted alternate stop codon (p.L290Rfs*34). This variant occurs at the 3' terminus of the gene and is not expected to trigger nonsense-mediated mRNA decay. Based on the available evidence, the clinical significance of this variant remains unclear.

NM_000075.4(CDK4):c.869del (p.Leu290fs)

Genes: CDK4 (cyclin dependent kinase 4; minus strand), TSPAN31 (tetraspanin 31; plus strand). Cytogenetic location: 12q14.1.
Variant type: Deletion.
Coding change: c.869del on transcript NM_000075.4 (MANE Select); coding-DNA position 869, one base deleted (T; older notation c.869delT).
Protein change: p.Leu290fs; shifts the reading frame from leucine 290.
Molecular consequence: frameshift variant. On other transcripts: 3 prime UTR variant (3).
Genome position (GRCh38, 1-based): chr12:57,748,568, A deleted on the plus strand (T on the coding strand, the reverse complement: CDK4 is on the minus strand). VCF-style (leftmost placement, unchanged base first): chr12-57748567-CA-C. GRCh37 (hg19) VCF-style: chr12-58142350-CA-C.
Other names: c.*1278del (NM_001330168.2, NM_001330169.2, NM_005981.5); short protein forms L290fs.
Identifiers: ClinVar variation 3265467 (VCV003265467.2).